The following is an entry in ClinVar:

ClinVar aggregate classification (germline): Uncertain significance (1 of 4 stars; one submission).

Conditions:
Arrhythmogenic right ventricular dysplasia 12. Also called: ARRHYTHMOGENIC RIGHT VENTRICULAR DYSPLASIA, FAMILIAL, 12. Identifiers: MedGen C1969081, MONDO:0012684, OMIM 611528.
Naxos disease (NXD). Also called: WOOLLY HAIR, PALMOPLANTAR KERATODERMA, AND CARDIAC ABNORMALITIES; KERATOSIS PALMOPLANTARIS WITH ARRHYTHMOGENIC CARDIOMYOPATHY; MAL DE NAXOS; PALMOPLANTAR KERATODERMA WITH ARRHYTHMOGENIC RIGHT VENTRICULAR CARDIOMYOPATHY AND WOOLLY HAIR; CARDIOMYOPATHY, ARRHYTHMOGENIC RIGHT VENTRICULAR, WITH SKIN, HAIR, AND NAIL ABNORMALITIES. Identifiers: Orphanet 34217, MedGen C1832600, MONDO:0011017, OMIM 601214.

Submission:

Labcorp Genetics (formerly Invitae), Labcorp
Classification: Uncertain significance for Arrhythmogenic right ventricular dysplasia 12; Naxos disease. Last evaluated: 2022-11-22. Review status: criteria provided, single submitter. Criteria: Invitae Variant Classification Sherloc (09022015). Collection method: clinical testing. Allele origin: germline.
Comment: This sequence change replaces alanine, which is neutral and non-polar, with aspartic acid, which is acidic and polar, at codon 441 of the JUP protein (p.Ala441Asp). This variant is not present in population databases (gnomAD no frequency). This variant has not been reported in the literature in individuals affected with JUP-related conditions. Algorithms developed to predict the effect of missense changes on protein structure and function are either unavailable or do not agree on the potential impact of this missense change (SIFT: "Tolerated"; PolyPhen-2: "Possibly Damaging"; Align-GVGD: "Class C0"). In summary, the available evidence is currently insufficient to determine the role of this variant in disease. Therefore, it has been classified as a Variant of Uncertain Significance.

NM_002230.4(JUP):c.1322C>A (p.Ala441Asp)

Gene: JUP (junction plakoglobin; minus strand). Cytogenetic location: 17q21.2.
Variant type: single nucleotide variant.
Coding change: c.1322C>A on transcript NM_002230.4 (MANE Select); coding-DNA position 1322, C replaced by A.
Protein change: p.Ala441Asp; replaces alanine 441 with aspartic acid.
Molecular consequence: missense variant.
Genome position (GRCh38, 1-based): chr17:41,763,158, G>T on the plus strand (C>A on the coding strand, the complement: JUP is on the minus strand). VCF-style: chr17-41763158-G-T. GRCh37 (hg19) VCF-style: chr17-39919410-G-T.
Other names: c.1322C>A, p.Ala441Asp (NM_001352773.2, NM_001352774.2, NM_001352775.2 and 3 more transcripts); short protein forms A441D.
Identifiers: ClinVar variation 2084247 (VCV002084247.4), dbSNP rs2544108593, ClinGen allele CA399497105.